The following is an entry in ClinVar:

ClinVar aggregate classification (germline): Benign/Likely benign. Review status: criteria provided, multiple submitters, no conflicts (2 of 4 stars). 8 submissions from 5 submitters: Benign (5); Likely benign (3). Last evaluated 2026-01-12.

Conditions:
Hypokalemic periodic paralysis, type 1. Also called: Hypokalemic Periodic Paralysis Type 1 (AD); HypoPP. Identifiers: Orphanet 681, MedGen C3714580, MONDO:0042979, OMIM 170400.
Malignant hyperthermia, susceptibility to, 5 (MHS5). Also called: CACNA1S-Related Malignant Hyperthermia Susceptibility. Identifiers: Orphanet 423, MedGen C1866077, MONDO:0011163, OMIM 601887.
Congenital myopathy 18. Also called: DIHYDROPYRIDINE RECEPTOR CONGENITAL MYOPATHY; DHPR CONGENITAL MYOPATHY; Myopathy, congenital, due to dihydropyridine receptor defect. Identifiers: MedGen C5830283, MONDO:0859514, OMIM 620246.
Thyrotoxic periodic paralysis, susceptibility to, 1 (TTPP1). Identifiers: Orphanet 79102, MedGen C2749982, MONDO:0008570, OMIM 188580.

Allele frequency attached by ClinVar (database versions not stated): TOPMed below 0.00001; gnomAD 0.00001; ExAC 0.00006; gnomAD exomes 0.00007; ESP Exome Variant Server 0.00008.
gnomAD v4.1: 71 of 1,614,198 alleles (0.0044%); highest among the groups gnomAD compares: South Asian, 0.049%; no homozygotes.

Submissions (8):

Labcorp Genetics (formerly Invitae), Labcorp
Classification: Benign for Hypokalemic periodic paralysis, type 1; Malignant hyperthermia, susceptibility to, 5. Last evaluated: 2026-01-12. Review status: criteria provided, single submitter. Criteria: Invitae Variant Classification Sherloc (09022015). Collection method: clinical testing. Allele origin: germline.

All of Us Research Program, National Institutes of Health
Classification: Likely benign for Malignant hyperthermia, susceptibility to, 5. Last evaluated: 2024-05-30. Review status: criteria provided, single submitter. Criteria: ACMG Guidelines, 2015. Collection method: clinical testing. Allele origin: germline. Inheritance: Autosomal dominant inheritance. Observed: 5 variant alleles, 5 heterozygotes.
Comment: This study involves interpretation of variants in research participants for the purpose of population health screening. Participant phenotype was not available at the time of variant classification. Additional details can be found in publication PMID: 35346344, PMCID: PMC8962531

Color Diagnostics, LLC DBA Color Health
Classification: Likely benign for Malignant hyperthermia, susceptibility to, 5. Last evaluated: 2024-05-21. Review status: criteria provided, single submitter. Criteria: ACMG Guidelines, 2015. Collection method: clinical testing. Allele origin: germline.

Genome-Nilou Lab
Classification: Benign for Malignant hyperthermia, susceptibility to, 5. Last evaluated: 2023-04-11. Review status: criteria provided, single submitter. Criteria: ACMG Guidelines, 2015. Collection method: clinical testing. Allele origin: germline. Affected: no.

Genome-Nilou Lab
Classification: Benign for Thyrotoxic periodic paralysis, susceptibility to, 1. Last evaluated: 2023-04-11. Review status: criteria provided, single submitter. Criteria: ACMG Guidelines, 2015. Collection method: clinical testing. Allele origin: germline. Affected: no.

Genome-Nilou Lab
Classification: Benign for Congenital myopathy 18. Last evaluated: 2023-04-11. Review status: criteria provided, single submitter. Criteria: ACMG Guidelines, 2015. Collection method: clinical testing. Allele origin: germline. Affected: no.

Genome-Nilou Lab
Classification: Benign for Hypokalemic periodic paralysis, type 1. Last evaluated: 2023-04-11. Review status: criteria provided, single submitter. Criteria: ACMG Guidelines, 2015. Collection method: clinical testing. Allele origin: germline. Affected: no.

Illumina Laboratory Services, Illumina
Classification: Likely benign for Hypokalemic periodic paralysis, type 1. Last evaluated: 2018-01-12. Review status: criteria provided, single submitter. Criteria: ICSL Variant Classification Criteria 13 December 2019. Collection method: clinical testing. Allele origin: germline.
Comment: This variant was observed in the ICSL laboratory as part of a predisposition screen in an ostensibly healthy population. It had not been previously curated by ICSL or reported in the Human Gene Mutation Database (HGMD: prior to June 1st, 2018), and was therefore a candidate for classification through an automated scoring system. Utilizing variant allele frequency, disease prevalence and penetrance estimates, and inheritance mode, an automated score was calculated to assess if this variant is too frequent to cause the disease. Based on the score and internal cut-off values, a variant classified as likely benign is not then subjected to further curation. The score for this variant resulted in a classification of likely benign for this disease.

NM_000069.3(CACNA1S):c.3027G>A (p.Thr1009=)

Gene: CACNA1S (calcium voltage-gated channel subunit alpha1 S; minus strand). Cytogenetic location: 1q32.1.
Variant type: single nucleotide variant.
Coding change: c.3027G>A on transcript NM_000069.3 (MANE Select); coding-DNA position 3027, G replaced by A.
Protein change: p.Thr1009=; no amino-acid change (threonine 1009 retained).
Molecular consequence: synonymous variant.
Genome position (GRCh38, 1-based): chr1:201,061,970, C>T on the plus strand (G>A on the coding strand, the complement: CACNA1S is on the minus strand). VCF-style: chr1-201061970-C-T. GRCh37 (hg19) VCF-style: chr1-201031098-C-T.
Identifiers: ClinVar variation 294733 (VCV000294733.17), dbSNP rs371818752, ClinGen allele CA079486.
Genomic context (GRCh38, chr1:201,061,970, plus strand): 5'-TCCATGAGGGACCTAGGCCCCAGCCATCACTCACTGAGGCCATCCCTCGAAGGTGGAGAC[C>T]GTGAAGAGGGACATCATGGCTGAGAGCACATTGTCGAAGTGGAAGTCGCTGTGTACCCAC-3'
Protein context (NP_000060.2, residues 999-1019): NVLSAMMSLF[Thr1009=]VSTFEGWPQL